The following is an entry in ClinVar:

ClinVar aggregate classification (germline): Pathogenic. Review status: criteria provided, multiple submitters, no conflicts (2 of 4 stars). 4 submissions from 4 submitters: Pathogenic (3). 1 of the submissions does not count toward it. Last evaluated 2024-09-13.

Conditions:
FH-related disorder. Also called: FH-related disorders; FH-related condition.
Hereditary leiomyomatosis and renal cell cancer. Also called: Reed syndrome; Multiple cutaneous and uterine leiomyomatosis; Cutaneous leiomyomata with uterine leiomyomata; Leiomyoma, hereditary multiple, of skin; Multiple cutaneous and uterine leiomyomata; MULTIPLE CUTANEOUS AND UTERINE LEIOMYOMATA 1, WITH OR WITHOUT RENAL CELL CARCINOMA. Identifiers: Orphanet 523, MedGen C1708350, MONDO:0007888, OMIM 150800, HP:0007437. Disease mechanism: loss of function.

Submissions (4):

Blueprint Genetics
Classification: Pathogenic for FH-related disorders. Last evaluated: 2024-09-13. Review status: criteria provided, single submitter. Criteria: ACMG Guidelines, 2015. Collection method: clinical testing. Allele origin: germline. Affected: yes. Observed: 5 variant alleles.

Quest Diagnostics Nichols Institute San Juan Capistrano
Classification: Pathogenic. Last evaluated: 2023-06-01. Review status: criteria provided, single submitter. Criteria: Quest Diagnostics criteria. Collection method: clinical testing. Allele origin: unknown.
Comment: This variant alters the translational reading frame of the FH mRNA and causes the premature termination of FH protein synthesis. In the published literature, this variant has been reported in multiple individuals with hereditary leiomyomatosis and renal cell cancer (HLRCC) (PMID: 34480341 (2021), 21404119 (2011)). This variant has not been reported in large, multi-ethnic general populations (Genome Aggregation Database). Based on the available information, this variant is classified as pathogenic.

Labcorp Genetics (formerly Invitae), Labcorp
Classification: Pathogenic. Last evaluated: 2017-04-05. Review status: criteria provided, single submitter. Criteria: Invitae Variant Classification Sherloc (09022015). Collection method: clinical testing. Allele origin: germline.
Comment: This sequence change deletes 2 nucleotides from exon 5 of the FH mRNA (c.671_672delAG), causing a frameshift at codon 224. This creates a premature translational stop signal (p.Glu224Valfs*25) and is expected to result in an absent or disrupted protein product. Loss-of-function variants in FH are known to be pathogenic. This particular variant has been reported in two families affected with leiomyomatosis and renal cell cancer (PMID: 11865300, 21404119). This variant is also known as 2-bp del. in codon 181. For these reasons, this variant has been classified as Pathogenic.

OMIM
Classification: Pathogenic for HEREDITARY LEIOMYOMATOSIS AND RENAL CELL CANCER. Last evaluated: 2002-04-01. Review status: no assertion criteria provided. Collection method: literature only. Allele origin: germline. Not counted in ClinVar's aggregate classification.

Literature cited by the submitters: PubMed 21404119 (cited by Quest Diagnostics Nichols Institute San Juan Capistrano and Labcorp Genetics (formerly Invitae), Labcorp); PubMed 34480341 (cited by Quest Diagnostics Nichols Institute San Juan Capistrano); PubMed 11865300 (cited by Labcorp Genetics (formerly Invitae), Labcorp and OMIM).

NM_000143.4(FH):c.671_672del (p.Glu224fs)

Gene: FH (fumarate hydratase; minus strand). Cytogenetic location: 1q43.
Variant type: Microsatellite.
Coding change: c.671_672del on transcript NM_000143.4 (MANE Select); coding-DNA positions 671 to 672, 2 bases deleted (AG; older notation c.671_672delAG).
Protein change: p.Glu224fs; shifts the reading frame from glutamic acid 224.
Molecular consequence: frameshift variant.
Genome position (GRCh38, 1-based): chr1:241,508,669-241,508,670, CT deleted on the plus strand (AG on the coding strand, the reverse complement: FH is on the minus strand); deleting any 2 consecutive bases within chr1:241,508,669-241,508,672 gives the same sequence; the c. name uses the placement nearest the transcript's 3' end. VCF-style (leftmost placement, unchanged base first): chr1-241508668-ACT-A. GRCh37 (hg19) VCF-style: chr1-241671968-ACT-A.
Other names: c.671_672del (NM_000143.3); short protein forms E224fs.
Identifiers: ClinVar variation 16234 (VCV000016234.9), dbSNP rs780001199, ClinGen allele CA257458.